The following is an entry in ClinVar:

ClinVar aggregate classification (germline): Uncertain significance (1 of 4 stars; one submission).

Conditions:
Progressive myoclonic epilepsy type 5. Identifiers: Orphanet 402082, MedGen C5190799.

Allele frequency attached by ClinVar (database versions not stated): gnomAD 0.00001; gnomAD exomes 0.00001; TOPMed 0.00001.
gnomAD v4.1: 6 of 1,614,092 alleles (0.00037%); highest among the groups gnomAD compares: African/African-American, 0.0013%; no homozygotes.

Submission:

Labcorp Genetics (formerly Invitae), Labcorp
Classification: Uncertain significance for Progressive myoclonic epilepsy type 5. Last evaluated: 2023-07-13. Review status: criteria provided, single submitter. Criteria: Invitae Variant Classification Sherloc (09022015). Collection method: clinical testing. Allele origin: germline.
Comment: In summary, the available evidence is currently insufficient to determine the role of this variant in disease. Therefore, it has been classified as a Variant of Uncertain Significance. Advanced modeling of protein sequence and biophysical properties (such as structural, functional, and spatial information, amino acid conservation, physicochemical variation, residue mobility, and thermodynamic stability) performed at Invitae indicates that this missense variant is not expected to disrupt PRICKLE2 protein function. This variant has not been reported in the literature in individuals affected with PRICKLE2-related conditions. This variant is present in population databases (no rsID available, gnomAD 0.002%). This sequence change replaces lysine, which is basic and polar, with glutamic acid, which is acidic and polar, at codon 812 of the PRICKLE2 protein (p.Lys812Glu).

NM_198859.4(PRICKLE2):c.2434A>G (p.Lys812Glu)

Genes: PRICKLE2 (prickle planar cell polarity protein 2; minus strand), PRICKLE2-AS1 (PRICKLE2 antisense RNA 1; plus strand). Cytogenetic location: 3p14.1.
Variant type: single nucleotide variant.
Coding change: c.2434A>G on transcript NM_198859.4 (MANE Select); coding-DNA position 2434, A replaced by G.
Protein change: p.Lys812Glu; replaces lysine 812 with glutamic acid.
Molecular consequence: missense variant. On other transcripts: non-coding transcript variant (1).
Genome position (GRCh38, 1-based): chr3:64,099,152, T>C on the plus strand (A>G on the coding strand, the complement: PRICKLE2 is on the minus strand). VCF-style: chr3-64099152-T-C. GRCh37 (hg19) VCF-style: chr3-64084828-T-C.
Other names: c.2434A>G, p.Lys812Glu (NM_001370528.1); short protein forms K812E.
Identifiers: ClinVar variation 2759943 (VCV002759943.3), dbSNP rs1285920791, ClinGen allele CA353425680.
Genomic context (GRCh38, chr3:64,099,152, plus strand): 5'-TGTGCAACTGTCCTCTGCCACCTAATGTGGAAGATTTGGGGAGGCCGTAGGAGCTGTATT[T>C]GTGCAGCAGCTCATCGCTTGTGACGTATCGCAGGCGCGCTGGCTGGGGGATGGGTTCTCC-3'
Protein context (NP_942559.1, residues 802-822): RYVTSDELLH[Lys812Glu]YSSYGLPKSS